The following continues an entry in ClinVar:

NM_006767.4(LZTR1):c.628C>T (p.Arg210Ter)

Gene: LZTR1. ClinVar aggregate classification (germline): Pathogenic/Likely pathogenic. Pathogenic (16); Likely pathogenic (1).

Submissions 13 to 18 of 18:

MGZ Medical Genetics Center
Classification: Pathogenic for LZTR1-related schwannomatosis. Last evaluated: 2022-08-29. Review status: criteria provided, single submitter. Criteria: ACMG Guidelines, 2015. Collection method: clinical testing. Allele origin: germline. Affected: yes. Observed: 2 variant alleles.
Comment: ACMG criteria applied: PVS1, PS4_MOD, PM2_SUP

GeneDx
Classification: Pathogenic. Last evaluated: 2022-03-03. Review status: criteria provided, single submitter. Criteria: GeneDx Variant Classification Process June 2021. Collection method: clinical testing. Allele origin: germline. Affected: yes.
Comment: Nonsense variant predicted to result in protein truncation or nonsense mediated decay in a gene for which loss-of-function is a known mechanism of disease; This variant is associated with the following publications: (PMID: 30006736, 29489754, 25335493, 30859559, 29469822)

Genetics and Molecular Pathology, SA Pathology
Classification: Pathogenic for LZTR1-related schwannomatosis. Last evaluated: 2020-03-20. Review status: criteria provided, single submitter. Criteria: ACMG Guidelines, 2015. Collection method: clinical testing. Allele origin: germline. Affected: yes.

Baylor Genetics
Classification: Pathogenic for Noonan syndrome 10. Last evaluated: 2019-07-12. Review status: criteria provided, single submitter. Criteria: ACMG Guidelines, 2015. Collection method: clinical testing. Allele origin: unknown. Affected: yes.
Comment: This variant was determined to be pathogenic according to ACMG Guidelines, 2015 [PMID:25741868].

Juno Genomics, Hangzhou Juno Genomics, Inc
Classification: Pathogenic for LZTR1-related schwannomatosis. Review status: criteria provided, single submitter. Criteria: ACMG Guidelines, 2015. Collection method: clinical testing. Allele origin: germline.
Comment: Absent from controls (or at extremely low frequency if recessive) in Genome Aggregation Database.;Null variant in a gene where loss of function (LOF) is a known mechanism of disease.;Assumed de novo, but without confirmation of paternity and maternity.;For recessive disorders, detected in trans with a pathogenic variant.

OMIM
Classification: Pathogenic for NOONAN SYNDROME 2. Last evaluated: 2018-12-17. Review status: no assertion criteria provided. Collection method: literature only. Allele origin: germline. Not counted in ClinVar's aggregate classification.

Literature cited by the submitters: PubMed 24362817 (cited by Labcorp Genetics (formerly Invitae), Labcorp and Institute for Genomic Medicine (IGM) Clinical Laboratory, Nationwide Children's Hospital); PubMed 25335493 (cited by Labcorp Genetics (formerly Invitae), Labcorp and Institute for Genomic Medicine (IGM) Clinical Laboratory, Nationwide Children's Hospital); PubMed 25480913 (cited by Labcorp Genetics (formerly Invitae), Labcorp and Institute for Genomic Medicine (IGM) Clinical Laboratory, Nationwide Children's Hospital); PubMed 25795793 (cited by Labcorp Genetics (formerly Invitae), Labcorp and Institute for Genomic Medicine (IGM) Clinical Laboratory, Nationwide Children's Hospital); PubMed 29469822 (cited by 4 submitters); PubMed 30368668 (cited by Labcorp Genetics (formerly Invitae), Labcorp and Institute for Genomic Medicine (IGM) Clinical Laboratory, Nationwide Children's Hospital); PubMed 30442762 (cited by Labcorp Genetics (formerly Invitae), Labcorp and Institute for Genomic Medicine (IGM) Clinical Laboratory, Nationwide Children's Hospital); PubMed 30442766 (cited by Labcorp Genetics (formerly Invitae), Labcorp and Institute for Genomic Medicine (IGM) Clinical Laboratory, Nationwide Children's Hospital); PubMed 30481304 (cited by Labcorp Genetics (formerly Invitae), Labcorp and Institute for Genomic Medicine (IGM) Clinical Laboratory, Nationwide Children's Hospital); PubMed 30859559 (cited by Labcorp Genetics (formerly Invitae), Labcorp and Institute for Genomic Medicine (IGM) Clinical Laboratory, Nationwide Children's Hospital); PubMed 30006736 (cited by Institute for Genomic Medicine (IGM) Clinical Laboratory, Nationwide Children's Hospital); Hamosh, A. Personal Communication. 2018. Baltimore, Md. (cited by OMIM).